The following is an entry in ClinVar:

ClinVar aggregate classification (germline): Uncertain significance (1 of 4 stars; one submission).

Conditions:
Spastic paraplegia. Identifiers: MedGen C0037772, HP:0001258.

Submission:

Labcorp Genetics (formerly Invitae), Labcorp
Classification: Uncertain significance for Spastic paraplegia. Last evaluated: 2025-07-15. Review status: criteria provided, single submitter. Criteria: Invitae Variant Classification Sherloc (09022015). Collection method: clinical testing. Allele origin: germline.
Comment: This sequence change replaces asparagine, which is neutral and polar, with lysine, which is basic and polar, at codon 4402 of the SACS protein (p.Asn4402Lys). This variant is not present in population databases (gnomAD no frequency). This variant has not been reported in the literature in individuals affected with SACS-related conditions. Invitae Evidence Modeling of protein sequence and biophysical properties (such as structural, functional, and spatial information, amino acid conservation, physicochemical variation, residue mobility, and thermodynamic stability) indicates that this missense variant is not expected to disrupt SACS protein function with a negative predictive value of 95%. In summary, the available evidence is currently insufficient to determine the role of this variant in disease. Therefore, it has been classified as a Variant of Uncertain Significance.

NM_014363.6(SACS):c.13206T>A (p.Asn4402Lys)

Gene: SACS (sacsin molecular chaperone; minus strand). Cytogenetic location: 13q12.12.
Variant type: single nucleotide variant.
Coding change: c.13206T>A on transcript NM_014363.6 (MANE Select); coding-DNA position 13206, T replaced by A.
Protein change: p.Asn4402Lys; replaces asparagine 4402 with lysine.
Molecular consequence: missense variant.
Genome position (GRCh38, 1-based): chr13:23,330,670, A>T on the plus strand (T>A on the coding strand, the complement: SACS is on the minus strand). VCF-style: chr13-23330670-A-T. GRCh37 (hg19) VCF-style: chr13-23904809-A-T.
Other names: c.12765T>A, p.Asn4255Lys (NM_001278055.2); c.13233T>A, p.Asn4411Lys (NM_001437336.1); short protein forms N4255K, N4402K, N4411K.
Identifiers: ClinVar variation 4802250 (VCV004802250.1).